The following is an entry in ClinVar:

ClinVar aggregate classification (germline): Conflicting classifications of pathogenicity. Review status: criteria provided, conflicting classifications (1 of 4 stars). 2 submissions from 2 submitters: Uncertain significance (1); Likely benign (1). Last evaluated 2025-04-23.

Conditions:
Hereditary breast ovarian cancer syndrome. Also called: Hereditary breast and ovarian cancer; Hereditary breast and ovarian cancer syndrome (HBOC); Breast and ovarian cancer; Hereditary breast and ovarian cancer syndrome; BRCA1- and BRCA2-Associated Hereditary Breast and Ovarian Cancer; Hereditary breast and/or ovarian cancer syndrome. Identifiers: Orphanet 145, MedGen C0677776, MeSH D061325, MONDO:0003582. Disease mechanism: loss of function.

Submissions (2):

Labcorp Genetics (formerly Invitae), Labcorp
Classification: Likely benign for Hereditary breast ovarian cancer syndrome. Last evaluated: 2025-04-23. Review status: criteria provided, single submitter. Criteria: Invitae Variant Classification Sherloc (09022015). Collection method: clinical testing. Allele origin: germline.

Women's Health and Genetics/Laboratory Corporation of America, LabCorp
Classification: Uncertain significance. Last evaluated: 2018-01-17. Review status: criteria provided, single submitter. Criteria: LabCorp Variant Classification Summary - May 2015. Collection method: clinical testing. Allele origin: germline.
Comment: Variant summary: c.4358-4A>G in BRCA1 gene is an intronic change that involves a non-conserved nucleotide. 5/5 programs in Alamut indicate this variant to not affect the normal splicing pattern, however no functional studies supporting these predictions were published at the time of evaluation. The variant is absent from the control population datasets of ExAC and gnomAD (~121336 and 245376 chrs tested, respectively). The variant of interest has not, to our knowledge, been cited by published reports or reputable databases/clinical laboratories. Taking together the variant was classified as VUS until more data become available.

NM_007294.4(BRCA1):c.4358-4A>G

Gene: BRCA1 (BRCA1 DNA repair associated; minus strand). Cytogenetic location: 17q21.31.
Variant type: single nucleotide variant.
Coding change: c.4358-4A>G on transcript NM_007294.4 (MANE Select); 4 bases into the intron before coding-DNA position 4358, A replaced by G.
Molecular consequence: intron variant.
Genome position (GRCh38, 1-based): chr17:43,076,618, T>C on the plus strand (A>G on the coding strand, the complement: BRCA1 is on the minus strand). VCF-style: chr17-43076618-T-C. GRCh37 (hg19) VCF-style: chr17-41228635-T-C.
Other names: c.4214-7A>G (NM_001407839.1, NM_001407842.1, NM_001407846.1 and 8 more transcripts); c.4214-4A>G (NM_001407745.1, NM_001407746.1, NM_001407742.1 and 11 more transcripts); c.4094-4A>G (NM_001407922.1, NM_001407925.1, NM_001407921.1 and 4 more transcripts); c.905-7A>G (NM_001408469.1, NM_001408468.1); c.908-4A>G (NM_001408453.1, NM_001408455.1, NM_001408452.1 and 3 more transcripts); c.4217-7A>G (NM_001407737.1, NM_001407738.1, NM_001407945.1 and 7 more transcripts); c.4217-4A>G (NM_001407728.1, NM_007297.4, NM_001407731.1 and 13 more transcripts); c.908-7A>G (NM_001408461.1, NM_001408459.1, NM_001408460.1 and 1 more transcripts); and 98 more.
Identifiers: ClinVar variation 632679 (VCV000632679.3), dbSNP rs1567779976, ClinGen allele CA913190345.